The following is an entry in ClinVar:

NM_025074.7(FRAS1):c.6111_6274+38del

Gene: FRAS1 (Fraser extracellular matrix complex subunit 1; plus strand). Cytogenetic location: 4q21.21.
Variant type: Deletion.
Coding change: c.6111_6274+38del on transcript NM_025074.7 (MANE Select); coding-DNA position 6111 through 38 bases into the intron after coding-DNA position 6274, 202 bases deleted.
Molecular consequence: splice donor variant.
Genome position (GRCh38, 1-based): chr4:78,448,153-78,448,354, 202 bases deleted. GRCh37 (hg19): chr4:79,369,307-79,369,508.
Identifiers: ClinVar variation 2733043 (VCV002733043.3), dbSNP rs2477224722, ClinGen allele CA2697546777.

ClinVar aggregate classification (germline): Likely pathogenic (1 of 4 stars; one submission).

Submission:

Labcorp Genetics (formerly Invitae), Labcorp
Classification: Likely pathogenic. Last evaluated: 2023-05-26. Review status: criteria provided, single submitter. Criteria: Invitae Variant Classification Sherloc (09022015). Collection method: clinical testing. Allele origin: germline.
Comment: In summary, the currently available evidence indicates that the variant is pathogenic, but additional data are needed to prove that conclusively. Therefore, this variant has been classified as Likely Pathogenic. Algorithms developed to predict the effect of sequence changes on RNA splicing suggest that this variant may disrupt the consensus splice site. This variant results in the deletion of part of exon 44 (c.6111_6274+38del) of the FRAS1 gene. It is expected to disrupt RNA splicing. Variants that disrupt the donor or acceptor splice site typically lead to a loss of protein function (PMID: 16199547), and loss-of-function variants in FRAS1 are known to be pathogenic (PMID: 12766769, 18671281). This variant has not been reported in the literature in individuals affected with FRAS1-related conditions.

Literature cited by the submitters: PubMed 16199547; PubMed 12766769; PubMed 18671281.